The following is an entry in ClinVar:

ClinVar aggregate classification (germline): Likely benign (1 of 4 stars; one submission).

Submission:

Women's Health and Genetics/Laboratory Corporation of America, LabCorp
Classification: Likely benign. Last evaluated: 2025-05-16. Review status: criteria provided, single submitter. Criteria: LabCorp Variant Classification Summary - May 2015. Collection method: clinical testing. Allele origin: germline.
Comment: Variant summary: MYH6 c.1410+16delT alters a nucleotide located at a position not widely known to affect splicing. Consensus agreement among computation tools predict no significant impact on normal splicing. However, these predictions have yet to be confirmed by functional studies. The variant was absent in 251424 control chromosomes. The available data on variant occurrences in the general population are insufficient to allow any conclusion about variant significance. To our knowledge, no occurrence of c.1410+16delT in individuals affected with Cardiomyopathy and no experimental evidence demonstrating its impact on protein function have been reported. No submitters have cited clinical-significance assessments for this variant to ClinVar. Based on the evidence outlined above, the variant was classified as likely benign.

NM_002471.4(MYH6):c.1410+16del

Gene: MYH6 (myosin heavy chain 6; minus strand). Cytogenetic location: 14q11.2.
Variant type: Deletion.
Coding change: c.1410+16del on transcript NM_002471.4 (MANE Select); 16 bases into the intron after coding-DNA position 1410, one base deleted (T; older notation c.1410+16delT).
Molecular consequence: intron variant.
Genome position (GRCh38, 1-based): chr14:23,400,693, A deleted on the plus strand (T on the coding strand, the reverse complement: MYH6 is on the minus strand). VCF-style (leftmost placement, unchanged base first): chr14-23400692-CA-C. GRCh37 (hg19) VCF-style: chr14-23869901-CA-C.
Other names: c.1410+16delT (NM_002471.4).
Identifiers: ClinVar variation 3902175 (VCV003902175.1).